The following is an entry in ClinVar:

ClinVar aggregate classification (germline): Likely benign. Review status: criteria provided, multiple submitters, no conflicts (2 of 4 stars). 2 submissions from 2 submitters: Likely benign (2). Last evaluated 2023-08-10.

Conditions:
Infantile-onset X-linked spinal muscular atrophy. Also called: Spinal Muscular Atrophy, X-Linked Infantile; SPINAL MUSCULAR ATROPHY, X-LINKED LETHAL INFANTILE; AMC, DISTAL, X-LINKED; ARTHROGRYPOSIS, X-LINKED, TYPE I; Spinal muscular atrophy, X-linked 2. Identifiers: Orphanet 1145, MedGen C1844934, MONDO:0010532, OMIM 301830.

Allele frequency attached by ClinVar (database versions not stated): gnomAD exomes 0.00001 and 0.00002; ExAC 0.00002.
gnomAD v4.1: 18 of 1,206,675 alleles (0.0015%); highest among the groups gnomAD compares: Non-Finnish European, 0.0019%; no homozygotes.

Submissions (2):

Labcorp Genetics (formerly Invitae), Labcorp
Classification: Likely benign for Infantile-onset X-linked spinal muscular atrophy. Last evaluated: 2023-08-10. Review status: criteria provided, single submitter. Criteria: Invitae Variant Classification Sherloc (09022015). Collection method: clinical testing. Allele origin: germline.

CeGaT Center for Human Genetics Tuebingen
Classification: Likely benign. Last evaluated: 2022-06-01. Review status: criteria provided, single submitter. Criteria: CeGaT Center For Human Genetics Tuebingen Variant Classification Criteria Version 2. Collection method: clinical testing. Allele origin: germline. Affected: yes. Observed: 1 variant allele.
Comment: UBA1: BP4, BP7

NM_003334.4(UBA1):c.1758C>T (p.Arg586=)

Gene: UBA1 (ubiquitin like modifier activating enzyme 1; plus strand). Cytogenetic location: Xp11.3.
Variant type: single nucleotide variant.
Coding change: c.1758C>T on transcript NM_003334.4 (MANE Select); coding-DNA position 1758, C replaced by T.
Protein change: p.Arg586=; no amino-acid change (arginine 586 retained).
Molecular consequence: synonymous variant.
Genome position (GRCh38, 1-based): chrX:47,206,264, C>T. VCF-style: chrX-47206264-C-T. GRCh37 (hg19) VCF-style: chrX-47065663-C-T.
Other names: c.1758C>T, p.Arg586= (NM_153280.3).
Identifiers: ClinVar variation 1083592 (VCV001083592.32), dbSNP rs782655127, ClinGen allele CA10395999.